The following is an entry in ClinVar:

ClinVar aggregate classification (germline): Uncertain significance (1 of 4 stars; one submission).

Submission:

Dasa
Classification: Uncertain significance. Last evaluated: 2025-11-06. Review status: criteria provided, single submitter. Criteria: DASA Assertion Criteria. Collection method: clinical testing. Allele origin: germline.
Comment: NM_138961.3(ESAM):c.320G>A (p.Arg107Gln) is a missense variant that results in the substitution of arginine with glutamine. This variant is rare in population databases. Computational prediction algorithms are consistent with a benign effect. The currently available literature and clinical evidence are not sufficient to establish a definitive association between this variant and the reported condition. Therefore, this variant is classified as a variant of uncertain significance.

NM_138961.3(ESAM):c.320G>A (p.Arg107Gln)

Gene: ESAM (endothelial cell adhesion molecule; minus strand). Cytogenetic location: 11q24.2.
Variant type: single nucleotide variant.
Coding change: c.320G>A on transcript NM_138961.3 (MANE Select); coding-DNA position 320, G replaced by A.
Protein change: p.Arg107Gln; replaces arginine 107 with glutamine.
Molecular consequence: missense variant.
Genome position (GRCh38, 1-based): chr11:124,756,672, C>T on the plus strand (G>A on the coding strand, the complement: ESAM is on the minus strand). VCF-style: chr11-124756672-C-T. GRCh37 (hg19) VCF-style: chr11-124626568-C-T.
Other names: short protein forms R107Q.
Identifiers: ClinVar variation 4882576 (VCV004882576.2).